The following is an entry in ClinVar:

NM_004333.6(BRAF):c.1140+2236T>C

Gene: BRAF (B-Raf proto-oncogene, serine/threonine kinase; minus strand). Cytogenetic location: 7q34.
Variant type: single nucleotide variant.
Coding change: c.1140+2236T>C on transcript NM_004333.6 (MANE Select); 2236 bases into the intron after coding-DNA position 1140, T replaced by C.
Molecular consequence: intron variant.
Genome position (GRCh38, 1-based): chr7:140,792,072, A>G on the plus strand (T>C on the coding strand, the complement: BRAF is on the minus strand). VCF-style: chr7-140792072-A-G. GRCh37 (hg19) VCF-style: chr7-140491872-A-G.
Other names: c.1140+2236T>C (NM_001378474.1, NM_001378471.1, NM_001378468.1 and 4 more transcripts); c.1038+2236T>C (NM_001378470.1); c.876+2236T>C (NM_001378475.1); c.1149+2236T>C (NM_001378467.1); c.984+2236T>C (NM_001378472.1, NM_001378473.1).
Identifiers: ClinVar variation 2658062 (VCV002658062.24), dbSNP rs531480856, ClinGen allele CA168098827.

ClinVar aggregate classification (germline): Likely benign (1 of 4 stars; one submission).

Allele frequency attached by ClinVar (database versions not stated): 1000 Genomes Project 30x 0.00016; gnomAD 0.00056; TOPMed 0.00057.
gnomAD v4.1: 84 of 152,322 alleles (0.055%); highest among the groups gnomAD compares: Non-Finnish European, 0.1%; no homozygotes.

Submission:

CeGaT Center for Human Genetics Tuebingen
Classification: Likely benign. Last evaluated: 2026-07-01. Review status: criteria provided, single submitter. Criteria: CeGaT Center For Human Genetics Tuebingen Variant Classification Criteria Version 2. Collection method: clinical testing. Allele origin: germline. Affected: yes. Observed: 5 variant alleles.
Comment: BRAF: BS1